The following is an entry in ClinVar:

ClinVar aggregate classification (germline): Pathogenic (1 of 4 stars; one submission).

Submission:

GeneDx
Classification: Pathogenic. Last evaluated: 2025-03-31. Review status: criteria provided, single submitter. Criteria: GeneDx Variant Classification Process June 2021. Collection method: clinical testing. Allele origin: germline. Affected: yes.
Comment: Not observed at significant frequency in large population cohorts (gnomAD); In silico analysis supports that this missense variant has a deleterious effect on protein structure/function; Has not been previously published as pathogenic or benign to our knowledge

NM_000875.5(IGF1R):c.3391T>G (p.Phe1131Val)

Gene: IGF1R (insulin like growth factor 1 receptor; plus strand). Cytogenetic location: 15q26.3.
Variant type: single nucleotide variant.
Coding change: c.3391T>G on transcript NM_000875.5 (MANE Select); coding-DNA position 3391, T replaced by G.
Protein change: p.Phe1131Val; replaces phenylalanine 1131 with valine.
Molecular consequence: missense variant.
Genome position (GRCh38, 1-based): chr15:98,939,294, T>G. VCF-style: chr15-98939294-T-G. GRCh37 (hg19) VCF-style: chr15-99482523-T-G.
Other names: c.3388T>G, p.Phe1130Val (NM_001291858.2); short protein forms F1130V, F1131V.
Identifiers: ClinVar variation 4278639 (VCV004278639.1).
Genomic context (GRCh38, chr15:98,939,294, plus strand): 5'-AAGATGATTCAGATGGCCGGAGAGATTGCAGACGGCATGGCATACCTCAACGCCAATAAG[T>G]TCGTCCACAGAGACCTTGCTGCCCGGAATTGCATGGTAGCCGAAGATTTCACAGTCAAAA-3'
Protein context (NP_000866.1, residues 1121-1141): DGMAYLNANK[Phe1131Val]VHRDLAARNC